The following is an entry in ClinVar:

ClinVar aggregate classification (germline): Pathogenic (1 of 4 stars; one submission).

Conditions:
Perrault syndrome 4 (PRLTS4). Identifiers: Orphanet 2855, MedGen C3809105, MONDO:0014126, OMIM 615300.

Submission:

Institute of Rare Diseases, West China Hospital, Sichuan University
Classification: Pathogenic for Perrault syndrome 4. Last evaluated: 2025-01-09. Review status: criteria provided, single submitter. Criteria: ClinGen HL ACMG Specifications v1. Collection method: research. Allele origin: germline. Affected: yes.
Comment: PVS1;PP1;PM2_Supporting

NM_015340.4(LARS2):c.2218del (p.Thr740fs)

Gene: LARS2 (leucyl-tRNA synthetase 2, mitochondrial; plus strand). Cytogenetic location: 3p21.31.
Variant type: Deletion.
Coding change: c.2218del on transcript NM_015340.4 (MANE Select); coding-DNA position 2218, one base deleted (A; older notation c.2218delA).
Protein change: p.Thr740fs; shifts the reading frame from threonine 740.
Molecular consequence: frameshift variant.
Genome position (GRCh38, 1-based): chr3:45,520,222, A deleted. VCF-style (leftmost placement, unchanged base first): chr3-45520221-GA-G. GRCh37 (hg19) VCF-style: chr3-45561713-GA-G.
Other names: c.2218del, p.Thr740fs (NM_001368263.1); short protein forms T740fs.
Identifiers: ClinVar variation 3601188 (VCV003601188.1).